The following is an entry in ClinVar:

NM_173728.4(ARHGEF15):c.1981C>T (p.Pro661Ser)

Gene: ARHGEF15 (Rho guanine nucleotide exchange factor 15; plus strand). Cytogenetic location: 17p13.1.
Variant type: single nucleotide variant.
Coding change: c.1981C>T on transcript NM_173728.4 (MANE Select); coding-DNA position 1981, C replaced by T.
Protein change: p.Pro661Ser; replaces proline 661 with serine.
Molecular consequence: missense variant.
Genome position (GRCh38, 1-based): chr17:8,318,858, C>T. VCF-style: chr17-8318858-C-T. GRCh37 (hg19) VCF-style: chr17-8222176-C-T.
Other names: c.1981C>T, p.Pro661Ser (NM_025014.2); short protein forms P661S.
Identifiers: ClinVar variation 1997002 (VCV001997002.4), dbSNP rs2543948192, ClinGen allele CA398023792.

ClinVar aggregate classification (germline): Uncertain significance (1 of 4 stars; one submission).

Conditions:
Early-infantile DEE. Also called: Ohtahara syndrome; Early infantile epileptic encephalopathy; Early infantile epileptic encephalopathy with suppression bursts. Identifiers: Orphanet 1934, MedGen C0393706, MONDO:0800491.

Submission:

Labcorp Genetics (formerly Invitae), Labcorp
Classification: Uncertain significance for Early-infantile DEE. Last evaluated: 2022-05-30. Review status: criteria provided, single submitter. Criteria: Invitae Variant Classification Sherloc (09022015). Collection method: clinical testing. Allele origin: germline.
Comment: This sequence change replaces proline, which is neutral and non-polar, with serine, which is neutral and polar, at codon 661 of the ARHGEF15 protein (p.Pro661Ser). This variant is not present in population databases (gnomAD no frequency). This variant has not been reported in the literature in individuals affected with ARHGEF15-related conditions. Algorithms developed to predict the effect of missense changes on protein structure and function (SIFT, PolyPhen-2, Align-GVGD) all suggest that this variant is likely to be disruptive. In summary, the available evidence is currently insufficient to determine the role of this variant in disease. Therefore, it has been classified as a Variant of Uncertain Significance.